The following is an entry in ClinVar:

ClinVar aggregate classification (germline): Uncertain significance. Review status: criteria provided, multiple submitters, no conflicts (2 of 4 stars). 2 submissions from 2 submitters: Uncertain significance (2). Last evaluated 2023-11-25.

Allele frequency attached by ClinVar (database versions not stated): gnomAD exomes 0.00001; ExAC 0.00005; 1000 Genomes Project 30x 0.00016; TOPMed 0.00017; gnomAD 0.00019; 1000 Genomes Project 0.00020.

Submissions (2):

Labcorp Genetics (formerly Invitae), Labcorp
Classification: Uncertain significance. Last evaluated: 2023-11-25. Review status: criteria provided, single submitter. Criteria: Invitae Variant Classification Sherloc (09022015). Collection method: clinical testing. Allele origin: germline.
Comment: This sequence change creates a premature translational stop signal (p.Gln371*) in the ELMOD3 gene. While this is not anticipated to result in nonsense mediated decay, it is expected to disrupt the last 11 amino acid(s) of the ELMOD3 protein. This variant is present in population databases (rs371031873, gnomAD 0.07%), and has an allele count higher than expected for a pathogenic variant. This variant has not been reported in the literature in individuals affected with ELMOD3-related conditions. ClinVar contains an entry for this variant (Variation ID: 1987841). Experimental studies and prediction algorithms are not available or were not evaluated, and the functional significance of this variant is currently unknown. In summary, the available evidence is currently insufficient to determine the role of this variant in disease. Therefore, it has been classified as a Variant of Uncertain Significance.

Blueprint Genetics
Classification: Uncertain significance. Last evaluated: 2020-04-24. Review status: criteria provided, single submitter. Criteria: ACMG Guidelines, 2015. Collection method: clinical testing. Allele origin: germline.

NM_001135022.2(ELMOD3):c.1111C>T (p.Gln371Ter)

Gene: ELMOD3 (ELMO domain containing 3; plus strand). Cytogenetic location: 2p11.2.
Variant type: single nucleotide variant.
Coding change: c.1111C>T on transcript NM_001135022.2 (MANE Select); coding-DNA position 1111, C replaced by T.
Protein change: p.Gln371Ter; replaces glutamine 371 with a stop codon.
Molecular consequence: nonsense. On other transcripts: non-coding transcript variant (3).
Genome position (GRCh38, 1-based): chr2:85,390,927, C>T. VCF-style: chr2-85390927-C-T. GRCh37 (hg19) VCF-style: chr2-85618050-C-T.
Other names: c.1111C>T, p.Gln371Ter (NM_001135021.2, NM_001135023.2, NM_001329791.2 and 2 more transcripts); c.*429C>T (NM_032213.5); short protein forms Q371*.
Identifiers: ClinVar variation 1987841 (VCV001987841.5), dbSNP rs371031873, ClinGen allele CA1740610.